The following is an entry in ClinVar:

NM_004370.6(COL12A1):c.4190C>G (p.Thr1397Ser)

Gene: COL12A1 (collagen type XII alpha 1 chain; minus strand). Cytogenetic location: 6q13.
Variant type: single nucleotide variant.
Coding change: c.4190C>G on transcript NM_004370.6 (MANE Select); coding-DNA position 4190, C replaced by G.
Protein change: p.Thr1397Ser; replaces threonine 1397 with serine.
Molecular consequence: missense variant.
Genome position (GRCh38, 1-based): chr6:75,148,455, G>C on the plus strand (C>G on the coding strand, the complement: COL12A1 is on the minus strand). VCF-style: chr6-75148455-G-C. GRCh37 (hg19) VCF-style: chr6-75858171-G-C.
Other names: c.698C>G, p.Thr233Ser (NM_080645.3); short protein forms T1397S, T233S.
Identifiers: ClinVar variation 1017682 (VCV001017682.9), dbSNP rs1767312990, ClinGen allele CA364745825.

ClinVar aggregate classification (germline): Uncertain significance (1 of 4 stars; one submission).

Conditions:
Ullrich congenital muscular dystrophy 2 (UCMD2). Identifiers: Orphanet 75840, MedGen C4225314, MONDO:0014654, OMIM 616470.
Bethlem myopathy 2 (BTHLM2). Identifiers: Orphanet 536516, Orphanet 610, MedGen C4225313, MONDO:0034022, OMIM 616471.

Submission:

Labcorp Genetics (formerly Invitae), Labcorp
Classification: Uncertain significance for Bethlem myopathy 2; Ullrich congenital muscular dystrophy 2. Last evaluated: 2023-11-07. Review status: criteria provided, single submitter. Criteria: Invitae Variant Classification Sherloc (09022015). Collection method: clinical testing. Allele origin: germline.
Comment: This sequence change replaces threonine, which is neutral and polar, with serine, which is neutral and polar, at codon 1397 of the COL12A1 protein (p.Thr1397Ser). This variant is not present in population databases (gnomAD no frequency). This variant has not been reported in the literature in individuals affected with COL12A1-related conditions. ClinVar contains an entry for this variant (Variation ID: 1017682). Advanced modeling of protein sequence and biophysical properties (such as structural, functional, and spatial information, amino acid conservation, physicochemical variation, residue mobility, and thermodynamic stability) performed at Invitae indicates that this missense variant is not expected to disrupt COL12A1 protein function with a negative predictive value of 80%. In summary, the available evidence is currently insufficient to determine the role of this variant in disease. Therefore, it has been classified as a Variant of Uncertain Significance.